The following is an entry in ClinVar:

NM_152713.5(STT3A):c.509-169G>A

Gene: STT3A (STT3 oligosaccharyltransferase complex catalytic subunit A; plus strand). Cytogenetic location: 11q24.2.
Variant type: single nucleotide variant.
Coding change: c.509-169G>A on transcript NM_152713.5 (MANE Select); 169 bases into the intron before coding-DNA position 509, G replaced by A.
Molecular consequence: intron variant.
Genome position (GRCh38, 1-based): chr11:125,605,460, G>A. VCF-style: chr11-125605460-G-A. GRCh37 (hg19) VCF-style: chr11-125475355-G-A.
Other names: c.509-169G>A (NM_001278503.2); c.233-169G>A (NM_001278504.2).
Identifiers: ClinVar variation 1706696 (VCV001706696.2), dbSNP rs12363701, ClinGen allele CA230469662.
Genomic context (GRCh38, chr11:125,605,460, plus strand): 5'-CTCTTCTAAGTGCTTTACAGGCATTAATTATATTTGTTTTCAGAACACTTTTATGAAGTA[G>A]ATACTATTACTTCTTCTTACATGAAACTGAAACAAAAGGAAGTAAATAATTTGCCTAAAA-3'

ClinVar aggregate classification (germline): Likely benign (1 of 4 stars; one submission).

Allele frequency attached by ClinVar (database versions not stated): 1000 Genomes Project 0.00399; 1000 Genomes Project 30x 0.00484; gnomAD 0.00887; TOPMed 0.00946.
gnomAD v4.1: 1,354 of 152,298 alleles (0.89%); highest among the groups gnomAD compares: Admixed American, 1.5%; 10 homozygotes.

Submission:

GeneDx
Classification: Likely benign. Last evaluated: 2019-06-20. Review status: criteria provided, single submitter. Criteria: GeneDx Variant Classification Process June 2021. Collection method: clinical testing. Allele origin: germline. Affected: yes.
Comment: See Variant Classification Assertion Criteria.